The following is an entry in ClinVar:

NM_005477.3(HCN4):c.331G>A (p.Gly111Ser)

Gene: HCN4 (hyperpolarization activated cyclic nucleotide gated potassium channel 4; minus strand). Cytogenetic location: 15q24.1.
Variant type: single nucleotide variant.
Coding change: c.331G>A on transcript NM_005477.3 (MANE Select); coding-DNA position 331, G replaced by A.
Protein change: p.Gly111Ser; replaces glycine 111 with serine.
Molecular consequence: missense variant.
Genome position (GRCh38, 1-based): chr15:73,367,940, C>T on the plus strand (G>A on the coding strand, the complement: HCN4 is on the minus strand). VCF-style: chr15-73367940-C-T. GRCh37 (hg19) VCF-style: chr15-73660281-C-T.
Other names: short protein forms G111S.
Identifiers: ClinVar variation 971430 (VCV000971430.14), dbSNP rs758437800, ClinGen allele CA7649486.

ClinVar aggregate classification (germline): Conflicting classifications of pathogenicity. Review status: criteria provided, conflicting classifications (1 of 4 stars). 5 submissions from 5 submitters: Uncertain significance (4); Likely benign (1). Last evaluated 2025-10-28.

Conditions:
Brugada syndrome 8 (BRGDA8). Identifiers: Orphanet 130, MedGen C2751083, MONDO:0013148, OMIM 613123.
Cardiovascular phenotype. Identifiers: MedGen CN230736.

Allele frequency attached by ClinVar (database versions not stated): ExAC 0.00014; gnomAD 0.00001 and 0.00002; TOPMed 0.00002; gnomAD exomes 0.00008.
gnomAD v4.1: 15 of 1,357,950 alleles (0.0011%); highest among the groups gnomAD compares: Non-Finnish European, 0.0014%; no homozygotes.

Submissions (5):

Labcorp Genetics (formerly Invitae), Labcorp
Classification: Uncertain significance for Brugada syndrome 8. Last evaluated: 2025-10-28. Review status: criteria provided, single submitter. Criteria: Invitae Variant Classification Sherloc (09022015). Collection method: clinical testing. Allele origin: germline.
Comment: This sequence change replaces glycine, which is neutral and non-polar, with serine, which is neutral and polar, at codon 111 of the HCN4 protein (p.Gly111Ser). The frequency data for this variant in the population databases is considered unreliable, as metrics indicate poor data quality at this position in the gnomAD database. This variant has not been reported in the literature in individuals affected with HCN4-related conditions. ClinVar contains an entry for this variant (Variation ID: 971430). Invitae Evidence Modeling of protein sequence and biophysical properties (such as structural, functional, and spatial information, amino acid conservation, physicochemical variation, residue mobility, and thermodynamic stability) indicates that this missense variant is not expected to disrupt HCN4 protein function with a negative predictive value of 95%. In summary, the available evidence is currently insufficient to determine the role of this variant in disease. Therefore, it has been classified as a Variant of Uncertain Significance.

Ambry Genetics
Classification: Uncertain significance for Cardiovascular phenotype. Last evaluated: 2025-08-28. Review status: criteria provided, single submitter. Criteria: Ambry Variant Classification Scheme 2023. Collection method: clinical testing. Allele origin: germline.
Comment: The p.G111S variant (also known as c.331G>A), located in coding exon 1 of the HCN4 gene, results from a G to A substitution at nucleotide position 331. The glycine at codon 111 is replaced by serine, an amino acid with similar properties. This amino acid position is conserved. In addition, this alteration is predicted to be tolerated by in silico analysis. Since supporting evidence is limited at this time, the clinical significance of this alteration remains unclear.

Molecular Diagnostic Laboratory for Inherited Cardiovascular Disease, Montreal Heart Institute
Classification: Uncertain significance for Cardiovascular phenotype. Last evaluated: 2025-04-09. Review status: criteria provided, single submitter. Criteria: ACMG Guidelines, 2015. Collection method: clinical testing. Allele origin: germline. Affected: yes.

Revvity Omics, Revvity
Classification: Uncertain significance. Last evaluated: 2023-11-29. Review status: criteria provided, single submitter. Criteria: ACMG Guidelines, 2015. Collection method: clinical testing. Allele origin: germline.

Blueprint Genetics
Classification: Likely benign. Last evaluated: 2023-04-19. Review status: criteria provided, single submitter. Criteria: ACMG Guidelines, 2015. Collection method: clinical testing. Allele origin: germline.